The following is an entry in ClinVar:

NM_000059.4(BRCA2):c.8905G>T (p.Val2969Leu)

Gene: BRCA2 (BRCA2 DNA repair associated; plus strand). Cytogenetic location: 13q13.1.
Variant type: single nucleotide variant.
Coding change: c.8905G>T on transcript NM_000059.4 (MANE Select); coding-DNA position 8905, G replaced by T.
Protein change: p.Val2969Leu; replaces valine 2969 with leucine.
Molecular consequence: missense variant.
Genome position (GRCh38, 1-based): chr13:32,379,467, G>T. VCF-style: chr13-32379467-G-T. GRCh37 (hg19) VCF-style: chr13-32953604-G-T.
Other names: short protein forms V2969L.
Identifiers: ClinVar variation 462503 (VCV000462503.12), dbSNP rs59004709, ClinGen allele CA387757243.

ClinVar aggregate classification (germline): Conflicting classifications of pathogenicity. Review status: criteria provided, conflicting classifications (1 of 4 stars). 3 submissions from 3 submitters: Uncertain significance (2); Benign (1). Last evaluated 2025-08-18.

Conditions:
Hereditary breast ovarian cancer syndrome. Also called: Hereditary breast and ovarian cancer syndrome (HBOC); Hereditary breast and ovarian cancer syndrome; Breast and ovarian cancer; Hereditary breast and/or ovarian cancer syndrome; Hereditary breast and ovarian cancer; BRCA1- and BRCA2-Associated Hereditary Breast and Ovarian Cancer. Identifiers: Orphanet 145, MedGen C0677776, MeSH D061325, MONDO:0003582. Disease mechanism: loss of function.
Hereditary cancer-predisposing syndrome. Also called: Neoplastic Syndromes, Hereditary; Hereditary Cancer Syndrome; Hereditary neoplastic syndrome; Tumor predisposition. Identifiers: Orphanet 140162, MedGen C0027672, MeSH D009386, MONDO:0015356.

Submissions (3):

Labcorp Genetics (formerly Invitae), Labcorp
Classification: Uncertain significance for Hereditary breast ovarian cancer syndrome. Last evaluated: 2025-08-18. Review status: criteria provided, single submitter. Criteria: Invitae Variant Classification Sherloc (09022015). Collection method: clinical testing. Allele origin: germline.
Comment: This sequence change replaces valine, which is neutral and non-polar, with leucine, which is neutral and non-polar, at codon 2969 of the BRCA2 protein (p.Val2969Leu). This variant is not present in population databases (gnomAD no frequency). This variant has not been reported in the literature in individuals affected with BRCA2-related conditions. ClinVar contains an entry for this variant (Variation ID: 462503). Invitae Evidence Modeling of protein sequence and biophysical properties (such as structural, functional, and spatial information, amino acid conservation, physicochemical variation, residue mobility, and thermodynamic stability) indicates that this missense variant is not expected to disrupt BRCA2 protein function with a negative predictive value of 95%. In summary, the available evidence is currently insufficient to determine the role of this variant in disease. Therefore, it has been classified as a Variant of Uncertain Significance.

Ambry Genetics
Classification: Benign for Hereditary cancer-predisposing syndrome. Last evaluated: 2025-04-18. Review status: criteria provided, single submitter. Criteria: Ambry Variant Classification Scheme 2023. Collection method: clinical testing. Allele origin: germline.

Women's Health and Genetics/Laboratory Corporation of America, LabCorp
Classification: Uncertain significance. Last evaluated: 2024-10-11. Review status: criteria provided, single submitter. Criteria: LabCorp Variant Classification Summary - May 2015. Collection method: clinical testing. Allele origin: germline.